The following is an entry in ClinVar:

NM_002900.3(RBP3):c.951G>A (p.Leu317=)

Gene: RBP3 (retinol binding protein 3; plus strand). Cytogenetic location: 10q11.22.
Variant type: single nucleotide variant.
Coding change: c.951G>A on transcript NM_002900.3 (MANE Select); coding-DNA position 951, G replaced by A.
Protein change: p.Leu317=; no amino-acid change (leucine 317 retained).
Molecular consequence: synonymous variant.
Genome position (GRCh38, 1-based): chr10:47,349,435, G>A. VCF-style: chr10-47349435-G-A. GRCh37 (hg19) VCF-style: chr10-48389927-C-T.
Other names: c.951G>A (NM_002900.2).
Identifiers: ClinVar variation 2130256 (VCV002130256.5), dbSNP rs782668255, ClinGen allele CA5487651.
Genomic context (GRCh38, chr10:47,349,435, plus strand): 5'-GGGCAGCGGGGTGCTGCCCTGTGTGGGGACTCCGGCCGAGCAGGCCCTGGAGAAAGCCCT[G>A]GCCATCCTCACTCTGCGCAGCGCCCTTCCAGGGGTAGTCCACTGCCTCCAGGAGGTCCTG-3'
Protein context (NP_002891.1, residues 307-327): TPAEQALEKA[Leu317=]AILTLRSALP

ClinVar aggregate classification (germline): Likely benign. Review status: criteria provided, multiple submitters, no conflicts (2 of 4 stars). 2 submissions from 2 submitters: Likely benign (2). Last evaluated 2026-09-04.

Conditions:
RBP3-related disorder. Also called: RBP3-related condition.

Allele frequency attached by ClinVar (database versions not stated): gnomAD exomes below 0.00001; ExAC 0.00001.
gnomAD v4.1: 3 of 1,612,332 alleles (0.00019%); highest among the groups gnomAD compares: Non-Finnish European, 0.00025%; no homozygotes.

Submissions (2):

PreventionGenetics, part of Exact Sciences
Classification: Likely benign for RBP3-related condition. Last evaluated: 2026-09-04. Review status: criteria provided, single submitter. Criteria: ACMG Guidelines, 2015. Collection method: clinical testing. Allele origin: germline.
Comment: This variant is classified as likely benign based on ACMG/AMP sequence variant interpretation guidelines (Richards et al. 2015 PMID: 25741868, with internal and published modifications).

Labcorp Genetics (formerly Invitae), Labcorp
Classification: Likely benign. Last evaluated: 2022-04-24. Review status: criteria provided, single submitter. Criteria: Invitae Variant Classification Sherloc (09022015). Collection method: clinical testing. Allele origin: germline.